The following is an entry in ClinVar:

ClinVar aggregate classification (germline): Uncertain significance (1 of 4 stars; one submission).

Allele frequency attached by ClinVar (database versions not stated): gnomAD 0.00002; ExAC 0.00003; TOPMed 0.00003; ESP Exome Variant Server 0.00008.
gnomAD v4.1: 47 of 1,606,532 alleles (0.0029%); highest among the groups gnomAD compares: Non-Finnish European, 0.00043%; 1 homozygote.

Submission:

Labcorp Genetics (formerly Invitae), Labcorp
Classification: Uncertain significance. Last evaluated: 2022-02-03. Review status: criteria provided, single submitter. Criteria: Invitae Variant Classification Sherloc (09022015). Collection method: clinical testing. Allele origin: germline.
Comment: This sequence change replaces glycine, which is neutral and non-polar, with aspartic acid, which is acidic and polar, at codon 496 of the PLAA protein (p.Gly496Asp). This variant is present in population databases (rs377461431, gnomAD 0.1%), including at least one homozygous and/or hemizygous individual. This variant has not been reported in the literature in individuals affected with PLAA-related conditions. Algorithms developed to predict the effect of missense changes on protein structure and function are either unavailable or do not agree on the potential impact of this missense change (SIFT: "Deleterious"; PolyPhen-2: "Probably Damaging"; Align-GVGD: "Class C0"). In summary, the available evidence is currently insufficient to determine the role of this variant in disease. Therefore, it has been classified as a Variant of Uncertain Significance.

NM_001031689.3(PLAA):c.1487G>A (p.Gly496Asp)

Gene: PLAA (phospholipase A2 activating protein; minus strand). Cytogenetic location: 9p21.2.
Variant type: single nucleotide variant.
Coding change: c.1487G>A on transcript NM_001031689.3 (MANE Select); coding-DNA position 1487, G replaced by A.
Protein change: p.Gly496Asp; replaces glycine 496 with aspartic acid.
Molecular consequence: missense variant.
Genome position (GRCh38, 1-based): chr9:26,913,947, C>T on the plus strand (G>A on the coding strand, the complement: PLAA is on the minus strand). VCF-style: chr9-26913947-C-T. GRCh37 (hg19) VCF-style: chr9-26913945-C-T.
Other names: c.1418G>A, p.Gly473Asp (NM_001321546.2); short protein forms G496D, G473D.
Identifiers: ClinVar variation 1895630 (VCV001895630.2), dbSNP rs377461431, ClinGen allele CA5014331.
Genomic context (GRCh38, chr9:26,913,947, plus strand): 5'-GGATCAACTCCGGCCATGGTAGTTCCCATACTTGCAGAACCTGGTACATAACGACCAGCA[C>T]CTACAATACAATAATACTCCTAGTAAGCAAAGGTGACTGTAAATTATAAAGTTCAAACTG-3'
Protein context (NP_001026859.1, residues 486-506): NTLPTADPFT[Gly496Asp]AGRYVPGSAS